The following is an entry in ClinVar:

ClinVar aggregate classification (germline): Uncertain significance (1 of 4 stars; one submission).

Conditions:
Hereditary cancer-predisposing syndrome. Also called: Tumor predisposition; Hereditary neoplastic syndrome; Hereditary Cancer Syndrome; Neoplastic Syndromes, Hereditary. Identifiers: Orphanet 140162, MedGen C0027672, MeSH D009386, MONDO:0015356.

Submission:

Color Diagnostics, LLC DBA Color Health
Classification: Uncertain significance for Hereditary cancer-predisposing syndrome. Last evaluated: 2024-03-06. Review status: criteria provided, single submitter. Criteria: ACMG Guidelines, 2015. Collection method: clinical testing. Allele origin: germline.
Comment: This missense variant replaces threonine with lysine at codon 137 of the BMPR1A protein. Computational prediction suggests that this variant may have deleterious impact on protein structure and function (internally defined REVEL score threshold >= 0.7, PMID: 27666373). To our knowledge, functional studies have not been reported for this variant. This variant has not been reported in individuals affected with hereditary cancer in the literature. This variant has not been identified in the general population by the Genome Aggregation Database (gnomAD). The available evidence is insufficient to determine the role of this variant in disease conclusively. Therefore, this variant is classified as a Variant of Uncertain Significance.

NM_004329.3(BMPR1A):c.410C>A (p.Thr137Lys)

Gene: BMPR1A (bone morphogenetic protein receptor type 1A; plus strand). Cytogenetic location: 10q23.2.
Variant type: single nucleotide variant.
Coding change: c.410C>A on transcript NM_004329.3 (MANE Select); coding-DNA position 410, C replaced by A.
Protein change: p.Thr137Lys; replaces threonine 137 with lysine.
Molecular consequence: missense variant.
Genome position (GRCh38, 1-based): chr10:86,899,870, C>A. VCF-style: chr10-86899870-C-A. GRCh37 (hg19) VCF-style: chr10-88659627-C-A.
Other names: short protein forms T137K.
Identifiers: ClinVar variation 1172055 (VCV001172055.3), dbSNP rs1843282592, ClinGen allele CA377449803.